The following is an entry in ClinVar:

NM_001035.3(RYR2):c.12326T>C (p.Met4109Thr)

Gene: RYR2 (ryanodine receptor 2; plus strand). Cytogenetic location: 1q43.
Variant type: single nucleotide variant.
Coding change: c.12326T>C on transcript NM_001035.3 (MANE Select); coding-DNA position 12326, T replaced by C.
Protein change: p.Met4109Thr; replaces methionine 4109 with threonine.
Molecular consequence: missense variant.
Genome position (GRCh38, 1-based): chr1:237,784,038, T>C. VCF-style: chr1-237784038-T-C. GRCh37 (hg19) VCF-style: chr1-237947338-T-C.
Other names: c.12326T>C, p.Met4109Thr (LRG_402t1); short protein forms M4109T.
Identifiers: ClinVar variation 532342 (VCV000532342.11), dbSNP rs1373714510, ClinGen allele CA345412972.

ClinVar aggregate classification (germline): Conflicting classifications of pathogenicity. Review status: criteria provided, conflicting classifications (1 of 4 stars). 2 submissions from 2 submitters: Likely pathogenic (1); Uncertain significance (1). Last evaluated 2018-05-31.

Conditions:
Catecholaminergic polymorphic ventricular tachycardia 1. Also called: VENTRICULAR TACHYCARDIA, CATECHOLAMINERGIC POLYMORPHIC, 1, WITH OR WITHOUT ATRIAL DYSFUNCTION AND/OR DILATED CARDIOMYOPATHY; RYR2-Related Catecholaminergic Polymorphic Ventricular Tachycardia; VENTRICULAR TACHYCARDIA, STRESS-INDUCED POLYMORPHIC 1. Identifiers: Orphanet 3286, MedGen C1631597, MONDO:0011484, OMIM 604772.

Submissions (2):

GeneDx
Classification: Likely pathogenic. Last evaluated: 2018-05-31. Review status: criteria provided, single submitter. Criteria: GeneDx Variant Classification (06012015). Collection method: clinical testing. Allele origin: germline. Affected: yes.
Comment: The M4109T likely pathogenic variant in the RYR2 gene has not been published as pathogenic or reported as benign to our knowledge. The M4109T variant is not observed in large population cohorts (Lek et al., 2016). In addition, the M4109T variant is a non-conservative amino acid substitution, which is likely to impact secondary protein structure as these residues differ in polarity, charge, size and/or other properties. In-silico analyses, including protein predictors and evolutionary conservation, support a deleterious effect. Moreover, M4109T is located in one of the three hot-spot regions of the RYR2 gene, where the majority of pathogenic missense variants occur (Medeiros-Domingo et al., 2009) and another missense variant (M4109R) at the same residue has been reported in association with CPVT (Nof et al., 2011; Itzhaki et al., 2012).

Labcorp Genetics (formerly Invitae), Labcorp
Classification: Uncertain significance for Catecholaminergic polymorphic ventricular tachycardia 1. Last evaluated: 2017-08-15. Review status: criteria provided, single submitter. Criteria: Invitae Variant Classification Sherloc (09022015). Collection method: clinical testing. Allele origin: germline.
Comment: This sequence change replaces methionine with threonine at codon 4109 of the RYR2 protein (p.Met4109Thr). The methionine residue is highly conserved and there is a moderate physicochemical difference between methionine and threonine. In summary, the available evidence is currently insufficient to determine the role of this variant in disease. Therefore, it has been classified as a Variant of Uncertain Significance. Algorithms developed to predict the effect of missense changes on protein structure and function (SIFT, PolyPhen-2, Align-GVGD) all suggest that this variant is likely to be disruptive, but these predictions have not been confirmed by published functional studies and their clinical significance is uncertain. This variant has not been reported in the literature in individuals with RYR2-related disease. This variant is not present in population databases (ExAC no frequency). This variant occurs within one of the three regions of the RYR2 gene (N-terminal domain, central domain, or channel region) where other pathogenic variants have been reported to cluster (PMID: 19926015).

Literature cited by the submitters: PubMed 19926015 (cited by Labcorp Genetics (formerly Invitae), Labcorp).